The following is an entry in ClinVar:

NM_004304.5(ALK):c.2219G>A (p.Gly740Glu)

Gene: ALK (ALK receptor tyrosine kinase; minus strand). Cytogenetic location: 2p23.2.
Variant type: single nucleotide variant.
Coding change: c.2219G>A on transcript NM_004304.5 (MANE Select); coding-DNA position 2219, G replaced by A.
Protein change: p.Gly740Glu; replaces glycine 740 with glutamic acid.
Molecular consequence: missense variant.
Genome position (GRCh38, 1-based): chr2:29,239,816, C>T on the plus strand (G>A on the coding strand, the complement: ALK is on the minus strand). VCF-style: chr2-29239816-C-T. GRCh37 (hg19) VCF-style: chr2-29462682-C-T.
Other names: short protein forms G740E.
Identifiers: ClinVar variation 4824825 (VCV004824825.1).

ClinVar aggregate classification (germline): Uncertain significance (1 of 4 stars; one submission).

Conditions:
Hereditary cancer-predisposing syndrome. Also called: Neoplastic Syndromes, Hereditary; Hereditary neoplastic syndrome; Tumor predisposition; Hereditary Cancer Syndrome. Identifiers: Orphanet 140162, MedGen C0027672, MeSH D009386, MONDO:0015356.

Submission:

Ambry Genetics
Classification: Uncertain significance for Hereditary cancer-predisposing syndrome. Last evaluated: 2026-02-23. Review status: criteria provided, single submitter. Criteria: Ambry Variant Classification Scheme 2023. Collection method: clinical testing. Allele origin: germline.
Comment: The p.G740E variant (also known as c.2219G>A), located in coding exon 13 of the ALK gene, results from a G to A substitution at nucleotide position 2219. The glycine at codon 740 is replaced by glutamic acid, an amino acid with similar properties. This amino acid position is highly conserved in available vertebrate species. In addition, this alteration is predicted to be deleterious by in silico analysis. Based on the available evidence, the clinical significance of this variant remains unclear.